The following is an entry in ClinVar:

NM_001378454.1(ALMS1):c.9382G>T (p.Val3128Leu)

Gene: ALMS1 (ALMS1 centrosome and basal body associated protein; plus strand). Cytogenetic location: 2p13.1.
Variant type: single nucleotide variant.
Coding change: c.9382G>T on transcript NM_001378454.1 (MANE Select); coding-DNA position 9382, G replaced by T.
Protein change: p.Val3128Leu; replaces valine 3128 with leucine.
Molecular consequence: missense variant.
Genome position (GRCh38, 1-based): chr2:73,491,341, G>T. VCF-style: chr2-73491341-G-T. GRCh37 (hg19) VCF-style: chr2-73718468-G-T.
Other names: c.9385G>T, p.Val3129Leu (NM_015120.4); short protein forms V3128L, V3129L.
Identifiers: ClinVar variation 1524907 (VCV001524907.5), dbSNP rs764937531, ClinGen allele CA347274547.

ClinVar aggregate classification (germline): Uncertain significance (1 of 4 stars; one submission).

Conditions:
Alstrom syndrome (ALMS). Identifiers: Orphanet 64, MedGen C0268425, MONDO:0008763, OMIM 203800.

gnomAD v4.1: 1 of 1,614,138 alleles (0.000062%); no homozygotes.

Submission:

Labcorp Genetics (formerly Invitae), Labcorp
Classification: Uncertain significance for Alstrom syndrome. Last evaluated: 2024-10-29. Review status: criteria provided, single submitter. Criteria: Invitae Variant Classification Sherloc (09022015). Collection method: clinical testing. Allele origin: germline.
Comment: This sequence change replaces valine with leucine at codon 3129 of the ALMS1 protein (p.Val3129Leu). The valine residue is moderately conserved and there is a small physicochemical difference between valine and leucine. This variant is not present in population databases (gnomAD no frequency). This variant has not been reported in the literature in individuals affected with ALMS1-related conditions. ClinVar contains an entry for this variant (Variation ID: 1524907). Experimental studies and prediction algorithms are not available or were not evaluated, and the functional significance of this variant is currently unknown. In summary, the available evidence is currently insufficient to determine the role of this variant in disease. Therefore, it has been classified as a Variant of Uncertain Significance.